The following is an entry in ClinVar:

NM_018112.3(TMEM38B):c.163A>G (p.Met55Val)

Gene: TMEM38B (transmembrane protein 38B; plus strand). Cytogenetic location: 9q31.2.
Variant type: single nucleotide variant.
Coding change: c.163A>G on transcript NM_018112.3 (MANE Select); coding-DNA position 163, A replaced by G.
Protein change: p.Met55Val; replaces methionine 55 with valine.
Molecular consequence: missense variant.
Genome position (GRCh38, 1-based): chr9:105,705,647, A>G. VCF-style: chr9-105705647-A-G. GRCh37 (hg19) VCF-style: chr9-108467928-A-G.
Other names: c.163A>G (NM_018112.2); short protein forms M55V.
Identifiers: ClinVar variation 1500725 (VCV001500725.7), dbSNP rs140337245, ClinGen allele CA5170810.

ClinVar aggregate classification (germline): Uncertain significance. Review status: criteria provided, multiple submitters, no conflicts (2 of 4 stars). 4 submissions from 4 submitters: Uncertain significance (4). Last evaluated 2025-04-15.

Conditions:
TMEM38B-related disorder. Also called: TMEM38B-related condition.

Allele frequency attached by ClinVar (database versions not stated): gnomAD exomes 0.00010 and 0.00015; gnomAD 0.00013 and 0.00014; ExAC 0.00014; TOPMed 0.00015; 1000 Genomes Project 0.00020; 1000 Genomes Project 30x 0.00031; ESP Exome Variant Server 0.00031.
gnomAD v4.1: 172 of 1,614,108 alleles (0.011%); highest among the groups gnomAD compares: Admixed American, 0.015%; no homozygotes.

Submissions (4):

PreventionGenetics, part of Exact Sciences
Classification: Uncertain significance for TMEM38B-related condition. Last evaluated: 2025-04-15. Review status: criteria provided, single submitter. Criteria: ACMG Guidelines, 2015. Collection method: clinical testing. Allele origin: germline.
Comment: The TMEM38B c.163A>G variant is predicted to result in the amino acid substitution p.Met55Val. To our knowledge, this variant has not been reported in the literature. This variant is reported in 0.14% of alleles in individuals of Ashkenazi Jewish descent in gnomAD. Although we suspect that this variant may be benign, at this time, the clinical significance of this variant is uncertain due to the absence of conclusive functional and genetic evidence.

Labcorp Genetics (formerly Invitae), Labcorp
Classification: Uncertain significance. Last evaluated: 2024-10-22. Review status: criteria provided, single submitter. Criteria: Invitae Variant Classification Sherloc (09022015). Collection method: clinical testing. Allele origin: germline.
Comment: This sequence change replaces methionine, which is neutral and non-polar, with valine, which is neutral and non-polar, at codon 55 of the TMEM38B protein (p.Met55Val). This variant is present in population databases (rs140337245, gnomAD 0.1%). This variant has not been reported in the literature in individuals affected with TMEM38B-related conditions. ClinVar contains an entry for this variant (Variation ID: 1500725). An algorithm developed to predict the effect of missense changes on protein structure and function (PolyPhen-2) suggests that this variant is likely to be disruptive. In summary, the available evidence is currently insufficient to determine the role of this variant in disease. Therefore, it has been classified as a Variant of Uncertain Significance.

Women's Health and Genetics/Laboratory Corporation of America, LabCorp
Classification: Uncertain significance. Last evaluated: 2024-08-31. Review status: criteria provided, single submitter. Criteria: LabCorp Variant Classification Summary - May 2015. Collection method: clinical testing. Allele origin: germline.

GeneDx
Classification: Uncertain significance. Last evaluated: 2023-04-04. Review status: criteria provided, single submitter. Criteria: GeneDx Variant Classification Process June 2021. Collection method: clinical testing. Allele origin: germline. Affected: yes.
Comment: In silico analysis supports that this missense variant has a deleterious effect on protein structure/function; Has not been previously published as pathogenic or benign to our knowledge